The following is an entry in ClinVar:

NM_003611.3(OFD1):c.2488+13A>G

Gene: OFD1 (OFD1 centriole and centriolar satellite protein; plus strand). Cytogenetic location: Xp22.2.
Variant type: single nucleotide variant.
Coding change: c.2488+13A>G on transcript NM_003611.3 (MANE Select); 13 bases into the intron after coding-DNA position 2488, A replaced by G.
Molecular consequence: intron variant.
Genome position (GRCh38, 1-based): chrX:13,762,457, A>G. VCF-style: chrX-13762457-A-G. GRCh37 (hg19) VCF-style: chrX-13780576-A-G.
Other names: c.2068+13A>G (NM_001330210.2); c.2368+13A>G (NM_001330209.2).
Identifiers: ClinVar variation 517729 (VCV000517729.10), dbSNP rs369270604, ClinGen allele CA326121337.
Genomic context (GRCh38, chrX:13,762,457, plus strand): 5'-ACAAGCTAGCTTTTAAGGATAATGAGGAGTTTGAATCATCTTTTGAATGTAAGTTCAAAT[A>G]TAAATACCAGTTTTTATATGTTGAAAATCTAGAAAGCTTAGTTTTGGTGAAACGTATCCA-3'

ClinVar aggregate classification (germline): Benign/Likely benign. Review status: criteria provided, multiple submitters, no conflicts (2 of 4 stars). 3 submissions from 3 submitters: Benign (1); Likely benign (2). Last evaluated 2026-01-21.

Conditions:
Joubert syndrome. Also called: Familial aplasia of the vermis; JOUBERT-BOLTSHAUSER SYNDROME. Identifiers: Orphanet 475, MedGen C5979921, MONDO:0018772.
Orofaciodigital syndrome I (OFD1). Also called: Papillon-Leage and Psaume Syndrome; OFDS I; Oral-Facial-Digital Syndrome Type I. Identifiers: Orphanet 2750, MedGen C1510460, MONDO:0010702, OMIM 311200.

Allele frequency attached by ClinVar (database versions not stated): gnomAD exomes 0.00007 and 0.00015; ESP Exome Variant Server 0.00009; TOPMed 0.00015; gnomAD 0.00016 and 0.00017.
gnomAD v4.1: 145 of 992,860 alleles (0.015%); highest among the groups gnomAD compares: Non-Finnish European, 0.02%; no homozygotes.

Submissions (3):

Labcorp Genetics (formerly Invitae), Labcorp
Classification: Benign for Orofaciodigital syndrome I; Joubert syndrome. Last evaluated: 2026-01-21. Review status: criteria provided, single submitter. Criteria: Invitae Variant Classification Sherloc (09022015). Collection method: clinical testing. Allele origin: germline.

Blueprint Genetics
Classification: Likely benign. Last evaluated: 2023-10-31. Review status: criteria provided, single submitter. Criteria: ACMG Guidelines, 2015. Collection method: clinical testing. Allele origin: germline.

GeneDx
Classification: Likely benign. Last evaluated: 2017-02-09. Review status: criteria provided, single submitter. Criteria: GeneDx Variant Classification (06012015). Collection method: clinical testing. Allele origin: germline. Affected: yes.
Comment: This variant is considered likely benign or benign based on one or more of the following criteria: it is a conservative change, it occurs at a poorly conserved position in the protein, it is predicted to be benign by multiple in silico algorithms, and/or has population frequency not consistent with disease.